The following is an entry in ClinVar:

NM_001101.5(ACTB):c.1107C>T (p.Ile369=)

Gene: ACTB (actin beta; minus strand). Cytogenetic location: 7p22.1.
Variant type: single nucleotide variant.
Coding change: c.1107C>T on transcript NM_001101.5 (MANE Select); coding-DNA position 1107, C replaced by T.
Protein change: p.Ile369=; no amino-acid change (isoleucine 369 retained).
Molecular consequence: synonymous variant.
Genome position (GRCh38, 1-based): chr7:5,527,769, G>A on the plus strand (C>T on the coding strand, the complement: ACTB is on the minus strand). VCF-style: chr7-5527769-G-A. GRCh37 (hg19) VCF-style: chr7-5567400-G-A.
Other names: c.1107C>T (LRG_132t1).
Identifiers: ClinVar variation 516170 (VCV000516170.18), dbSNP rs71531321, ClinGen allele CA4146833.

ClinVar aggregate classification (germline): Benign/Likely benign. Review status: criteria provided, multiple submitters, no conflicts (2 of 4 stars). 7 submissions from 6 submitters: Benign (3); Likely benign (4). Last evaluated 2026-09-01.

Conditions:
Baraitser-Winter syndrome 1 (BRWS1). Also called: Cerebrofrontofacial syndrome; BARAITSER-WINTER SYNDROME 1, ATYPICAL; PACHYGYRIA, MENTAL RETARDATION, EPILEPSY, AND CHARACTERISTIC FACIES; MENTAL RETARDATION WITH EPILEPSY AND CHARACTERISTIC FACIES. Identifiers: Orphanet 2649, Orphanet 2995, MedGen C1855722, MONDO:0009470, OMIM 243310.
Developmental malformations-deafness-dystonia syndrome (DDS1). Identifiers: Orphanet 79107, MedGen C5848323, MONDO:0011823, OMIM 607371.

Allele frequency attached by ClinVar (database versions not stated): 1000 Genomes Project 30x 0.00016; 1000 Genomes Project 0.00020; ESP Exome Variant Server 0.00023; ExAC 0.00035; gnomAD 0.00038 and 0.00065; gnomAD exomes 0.00041 and 0.00076; TOPMed 0.00074.

Submissions (7):

CeGaT Center for Human Genetics Tuebingen
Classification: Likely benign. Last evaluated: 2026-09-01. Review status: criteria provided, single submitter. Criteria: CeGaT Center For Human Genetics Tuebingen Variant Classification Criteria Version 2. Collection method: clinical testing. Allele origin: germline. Affected: yes. Observed: 1 variant allele.
Comment: ACTB: BP4, BP7

Labcorp Genetics (formerly Invitae), Labcorp
Classification: Likely benign for Baraitser-Winter syndrome 1. Last evaluated: 2026-01-25. Review status: criteria provided, single submitter. Criteria: Invitae Variant Classification Sherloc (09022015). Collection method: clinical testing. Allele origin: germline.

Blueprint Genetics
Classification: Likely benign. Last evaluated: 2024-10-22. Review status: criteria provided, single submitter. Criteria: ACMG Guidelines, 2015. Collection method: clinical testing. Allele origin: germline.

Genome-Nilou Lab
Classification: Benign for Baraitser-Winter syndrome 1. Last evaluated: 2021-12-05. Review status: criteria provided, single submitter. Criteria: ACMG Guidelines, 2015. Collection method: clinical testing. Allele origin: germline. Affected: no.

Genome-Nilou Lab
Classification: Benign for Developmental malformations-deafness-dystonia syndrome. Last evaluated: 2021-12-05. Review status: criteria provided, single submitter. Criteria: ACMG Guidelines, 2015. Collection method: clinical testing. Allele origin: germline. Affected: no.

Fulgent Genetics
Classification: Likely benign for Baraitser-Winter syndrome 1; Developmental malformations-deafness-dystonia syndrome. Last evaluated: 2021-09-15. Review status: criteria provided, single submitter. Criteria: ACMG Guidelines, 2015. Collection method: clinical testing. Allele origin: unknown.

GeneDx
Classification: Benign. Last evaluated: 2018-07-11. Review status: criteria provided, single submitter. Criteria: GeneDx Variant Classification Process June 2021. Collection method: clinical testing. Allele origin: germline. Affected: yes.